The following is an entry in ClinVar:

NC_000015.10:g.84817066G>A

Gene: ALPK3 (alpha kinase 3; plus strand). Cytogenetic location: 15q25.3.
Variant type: single nucleotide variant.
Genome position: GRCh38 VCF-style: chr15-84817066-G-A. GRCh37 (hg19) VCF-style: chr15-85360297-G-A.
Other names: short protein forms E74K.
Identifiers: ClinVar variation 2045957 (VCV002045957.5), dbSNP rs1567084743, ClinGen allele CA393368461.

ClinVar aggregate classification (germline): Conflicting classifications of pathogenicity. Review status: criteria provided, conflicting classifications (1 of 4 stars). 2 submissions from 2 submitters: Uncertain significance (1); Likely benign (1). Last evaluated 2024-05-15.

Conditions:
Cardiovascular phenotype. Identifiers: MedGen CN230736.

Submissions (2):

Labcorp Genetics (formerly Invitae), Labcorp
Classification: Uncertain significance. Last evaluated: 2024-05-15. Review status: criteria provided, single submitter. Criteria: Invitae Variant Classification Sherloc (09022015). Collection method: clinical testing. Allele origin: germline.
Comment: This sequence change replaces glutamic acid, which is acidic and polar, with lysine, which is basic and polar, at codon 74 of the ALPK3 protein (p.Glu74Lys). This variant is not present in population databases (gnomAD no frequency). This variant has not been reported in the literature in individuals affected with ALPK3-related conditions. ClinVar contains an entry for this variant (Variation ID: 2045957). Algorithms developed to predict the effect of missense changes on protein structure and function output the following: SIFT: "Not Available"; PolyPhen-2: "Benign"; Align-GVGD: "Not Available". The lysine amino acid residue is found in multiple mammalian species, which suggests that this missense change does not adversely affect protein function. In summary, the available evidence is currently insufficient to determine the role of this variant in disease. Therefore, it has been classified as a Variant of Uncertain Significance.

Ambry Genetics
Classification: Likely benign for Cardiovascular phenotype. Last evaluated: 2024-04-21. Review status: criteria provided, single submitter. Criteria: Ambry Variant Classification Scheme 2023. Collection method: clinical testing. Allele origin: germline.